The following is an entry in ClinVar:

ClinVar aggregate classification (germline): Uncertain significance (1 of 4 stars; one submission).

Conditions:
Absence seizure. Also called: Absence epilepsy. Identifiers: Orphanet 1941, MedGen C0014553.
Myoclonic epilepsy, juvenile, susceptibility to, 1. Also called: Myoclonic Epilepsy, Juvenile, 1; EJM1. Identifiers: MedGen C1850778, MONDO:0020752, OMIM 254770.

Submission:

Labcorp Genetics (formerly Invitae), Labcorp
Classification: Uncertain significance for Myoclonic epilepsy, juvenile, susceptibility to, 1; Absence seizure. Last evaluated: 2018-05-03. Review status: criteria provided, single submitter. Criteria: Invitae Variant Classification Sherloc (09022015). Collection method: clinical testing. Allele origin: germline.
Comment: This sequence change replaces proline with serine at codon 81 of the EFHC1 protein (p.Pro81Ser). The proline residue is moderately conserved and there is a moderate physicochemical difference between proline and serine. This variant is not present in population databases (ExAC no frequency). This variant has not been reported in the literature in individuals with EFHC1-related disease. In summary, the available evidence is currently insufficient to determine the role of this variant in disease. Therefore, it has been classified as a Variant of Uncertain Significance. Algorithms developed to predict the effect of missense changes on protein structure and function (SIFT, PolyPhen-2, Align-GVGD) all suggest that this variant is likely to be tolerated, but these predictions have not been confirmed by published functional studies and their clinical significance is uncertain.

NM_018100.4(EFHC1):c.241C>T (p.Pro81Ser)

Gene: EFHC1 (EF-hand domain containing 1; plus strand). Cytogenetic location: 6p12.2.
Variant type: single nucleotide variant.
Coding change: c.241C>T on transcript NM_018100.4 (MANE Select); coding-DNA position 241, C replaced by T.
Protein change: p.Pro81Ser; replaces proline 81 with serine.
Molecular consequence: missense variant. On other transcripts: non-coding transcript variant (1).
Genome position (GRCh38, 1-based): chr6:52,424,123, C>T. VCF-style: chr6-52424123-C-T. GRCh37 (hg19) VCF-style: chr6-52288921-C-T.
Other names: c.184C>T, p.Pro62Ser (NM_001172420.2); short protein forms P81S, P62S.
Identifiers: ClinVar variation 579355 (VCV000579355.10), dbSNP rs1562442253, ClinGen allele CA364456729.